The following is an entry in ClinVar:

ClinVar aggregate classification (germline): Uncertain significance (1 of 4 stars; one submission).

Conditions:
INTS11-related condition.

gnomAD v4.1: 8 of 1,606,376 alleles (0.0005%); highest among the groups gnomAD compares: Middle Eastern, 0.033%; no homozygotes.

Submission:

PreventionGenetics, part of Exact Sciences
Classification: Uncertain significance for INTS11-related condition. Last evaluated: 2026-03-06. Review status: criteria provided, single submitter. Criteria: ACMG Guidelines, 2015. Collection method: clinical testing. Allele origin: germline.
Comment: The INTS11 c.47-6G>A variant is predicted to interfere with splicing. To our knowledge, this variant has not been reported in the literature. This variant is reported in 0.0034% of alleles in individuals of South Asian descent in gnomAD. At this time, the clinical significance of this variant is uncertain due to the absence of conclusive functional and genetic evidence.

NM_017871.6(INTS11):c.29-6G>A

Gene: INTS11 (integrator complex subunit 11; minus strand). Cytogenetic location: 1p36.33.
Variant type: single nucleotide variant.
Coding change: c.29-6G>A on transcript NM_017871.6 (MANE Select); 6 bases into the intron before coding-DNA position 29, G replaced by A.
Molecular consequence: intron variant.
Genome position (GRCh38, 1-based): chr1:1,321,099, C>T on the plus strand (G>A on the coding strand, the complement: INTS11 is on the minus strand). VCF-style: chr1-1321099-C-T. GRCh37 (hg19) VCF-style: chr1-1256479-C-T.
Other names: c.29-6G>A (NM_001256463.2); c.-59-6G>A (NM_001256460.2); c.139+2078G>A (NM_001256462.2); c.47-6G>A (NM_001256456.2).
Identifiers: ClinVar variation 4985410 (VCV004985410.1).
Genomic context (GRCh38, chr1:1,321,099, plus strand): 5'-TTCTTGCCCGCAATGGAGACCAGGATGCAGCTTCGGCCCACGTCCTGGCCGGCCCCTACT[C>T]GAGGGAGGGCAGATGAGTCACTGCTGCGCCCCCCGCCCCCTGTGCTGCCTCCCCAAGCTC-3'